The following is an entry in ClinVar:

ClinVar aggregate classification (germline): Uncertain significance. Review status: criteria provided, multiple submitters, no conflicts (2 of 4 stars). 2 submissions from 2 submitters: Uncertain significance (2). Last evaluated 2024-09-20.

Conditions:
Ehlers-Danlos syndrome, type 4 (EDSVASC). Also called: Ehlers-Danlos syndrome vascular type; Ehlers Danlos syndrome, ecchymotic type; Ehlers Danlos syndrome, arterial type; Ehlers Danlos syndrome, Sack-Barabas type; Ehlers-Danlos Syndrome Type IV. Identifiers: Orphanet 286, MedGen C0268338, MONDO:0017314, OMIM 130050.

Allele frequency attached by ClinVar (database versions not stated): gnomAD exomes below 0.00001; gnomAD 0.00001.

Submissions (2):

GeneDx
Classification: Uncertain significance. Last evaluated: 2024-09-20. Review status: criteria provided, single submitter. Criteria: GeneDx Variant Classification Process June 2021. Collection method: clinical testing. Allele origin: germline. Affected: yes.
Comment: Not observed at significant frequency in large population cohorts (gnomAD); In silico analysis supports that this missense variant has a deleterious effect on protein structure/function; Occurs in the triple helical domain at the Y position in the canonical Gly-X-Y repeat; although this variant may have an effect on normal protein folding and function, missense substitution at the Y position is not a common mechanism of disease (HGMD); Has not been previously published as pathogenic or benign to our knowledge

Labcorp Genetics (formerly Invitae), Labcorp
Classification: Uncertain significance for Ehlers-Danlos syndrome, type 4. Last evaluated: 2022-07-26. Review status: criteria provided, single submitter. Criteria: Invitae Variant Classification Sherloc (09022015). Collection method: clinical testing. Allele origin: germline.
Comment: In summary, the available evidence is currently insufficient to determine the role of this variant in disease. Therefore, it has been classified as a Variant of Uncertain Significance. Algorithms developed to predict the effect of missense changes on protein structure and function are either unavailable or do not agree on the potential impact of this missense change (SIFT: "Deleterious"; PolyPhen-2: "Probably Damaging"; Align-GVGD: "Class C0"). ClinVar contains an entry for this variant (Variation ID: 581939). This variant has not been reported in the literature in individuals affected with COL3A1-related conditions. The frequency data for this variant in the population databases is considered unreliable, as metrics indicate poor data quality at this position in the gnomAD database. This sequence change replaces arginine, which is basic and polar, with cysteine, which is neutral and slightly polar, at codon 1034 of the COL3A1 protein (p.Arg1034Cys).

NM_000090.4(COL3A1):c.3100C>T (p.Arg1034Cys)

Gene: COL3A1 (collagen type III alpha 1 chain; plus strand). Cytogenetic location: 2q32.2.
Variant type: single nucleotide variant.
Coding change: c.3100C>T on transcript NM_000090.4 (MANE Select); coding-DNA position 3100, C replaced by T.
Protein change: p.Arg1034Cys; replaces arginine 1034 with cysteine.
Molecular consequence: missense variant.
Genome position (GRCh38, 1-based): chr2:189,006,351, C>T. VCF-style: chr2-189006351-C-T. GRCh37 (hg19) VCF-style: chr2-189871077-C-T.
Other names: short protein forms R1034C.
Identifiers: ClinVar variation 581939 (VCV000581939.11), dbSNP rs1178112512, ClinGen allele CA349845019.